The following is an entry in ClinVar:

ClinVar aggregate classification (germline): Benign/Likely benign. Review status: criteria provided, multiple submitters, no conflicts (2 of 4 stars). 5 submissions from 5 submitters: Benign (1); Likely benign (4). Last evaluated 2026-09-28.

Conditions:
Cardiovascular phenotype. Identifiers: MedGen CN230736.
Hereditary cancer-predisposing syndrome. Also called: Tumor predisposition; Neoplastic Syndromes, Hereditary; Hereditary Cancer Syndrome; Hereditary neoplastic syndrome. Identifiers: Orphanet 140162, MedGen C0027672, MeSH D009386, MONDO:0015356.
Neurofibromatosis, type 1 (NF1). Also called: NEUROFIBROMATOSIS, TYPE I, SOMATIC; Peripheral type neurofibromatosis; VON RECKLINGHAUSEN DISEASE; Neurofibromatosis, type I. Identifiers: Orphanet 636, MedGen C0027831, MONDO:0018975, OMIM 162200. Disease mechanism: loss of function.

Allele frequency attached by ClinVar (database versions not stated): TOPMed below 0.00001; gnomAD exomes below 0.00001.
gnomAD v4.1: 2 of 1,614,076 alleles (0.00012%); highest among the groups gnomAD compares: East Asian, 0.0045%; no homozygotes.

Submissions (5):

Myriad Genetics, Inc.
Classification: Benign for Neurofibromatosis, type 1. Last evaluated: 2026-09-28. Review status: criteria provided, single submitter. Criteria: Myriad Autosomal Dominant, Autosomal Recessive and X-Linked Classification Criteria (2023). Collection method: clinical testing. Allele origin: unknown.
Comment: This variant is considered benign. This variant is a silent/synonymous amino acid change and it is not expected to impact splicing.

Labcorp Genetics (formerly Invitae), Labcorp
Classification: Likely benign for Neurofibromatosis, type 1. Last evaluated: 2025-05-29. Review status: criteria provided, single submitter. Criteria: Invitae Variant Classification Sherloc (09022015). Collection method: clinical testing. Allele origin: germline.

Quest Diagnostics Nichols Institute San Juan Capistrano
Classification: Likely benign. Last evaluated: 2025-01-31. Review status: criteria provided, single submitter. Criteria: Quest Diagnostics criteria. Collection method: clinical testing. Allele origin: unknown.

Genome-Nilou Lab
Classification: Likely benign for Neurofibromatosis, type 1. Last evaluated: 2022-03-15. Review status: criteria provided, single submitter. Criteria: ACMG Guidelines, 2015. Collection method: clinical testing. Allele origin: germline. Affected: no.

Ambry Genetics
Classification: Likely benign for Cardiovascular phenotype; Hereditary cancer-predisposing syndrome. Last evaluated: 2019-06-01. Review status: criteria provided, single submitter. Criteria: Ambry General Variant Classification Scheme_2022. Collection method: clinical testing. Allele origin: germline. Observed: 1 variant allele.

NM_001042492.3(NF1):c.807A>G (p.Leu269=)

Gene: NF1 (neurofibromin 1; plus strand). Cytogenetic location: 17q11.2.
Variant type: single nucleotide variant.
Coding change: c.807A>G on transcript NM_001042492.3 (MANE Select); coding-DNA position 807, A replaced by G.
Protein change: p.Leu269=; no amino-acid change (leucine 269 retained).
Molecular consequence: synonymous variant.
Genome position (GRCh38, 1-based): chr17:31,182,584, A>G. VCF-style: chr17-31182584-A-G. GRCh37 (hg19) VCF-style: chr17-29509602-A-G.
Other names: c.807A>G, p.Leu269= (NM_000267.4, NM_001128147.3).
Identifiers: ClinVar variation 527645 (VCV000527645.16), dbSNP rs1333394353, ClinGen allele CA499209259.